The following is an entry in ClinVar:

ClinVar aggregate classification (germline): Pathogenic. Review status: criteria provided, multiple submitters, no conflicts (2 of 4 stars). 2 submissions from 2 submitters: Pathogenic (2). Last evaluated 2025-09-08.

Allele frequency attached by ClinVar (database versions not stated): ExAC 0.00001; gnomAD 0.00001; TOPMed 0.00001.
gnomAD v4.1: 7 of 1,613,604 alleles (0.00043%); highest among the groups gnomAD compares: Non-Finnish European, 0.00059%; no homozygotes.

Submissions (2):

GeneDx
Classification: Pathogenic. Last evaluated: 2025-09-08. Review status: criteria provided, single submitter. Criteria: GeneDx Variant Classification Process June 2021. Collection method: clinical testing. Allele origin: germline.
Comment: Reported in a study of carrier frequency of TG variants in the general population, but not reported in individuals with TG-related hypothyroidism to our knowledge in the published literature (PMID: 34200080); Canonical splice site variant predicted to result in a null allele in a gene for which loss of function is a known mechanism of disease; Not observed at significant frequency in large population cohorts (gnomAD); This variant is associated with the following publications: (PMID: 34200080)

Labcorp Genetics (formerly Invitae), Labcorp
Classification: Pathogenic. Last evaluated: 2023-02-16. Review status: criteria provided, single submitter. Criteria: Invitae Variant Classification Sherloc (09022015). Collection method: clinical testing. Allele origin: germline.
Comment: This sequence change affects a donor splice site in intron 3 of the TG gene. RNA analysis indicates that disruption of this splice site induces altered splicing and may result in an absent or disrupted protein product. This variant is present in population databases (rs763447736, gnomAD 0.003%). Disruption of this splice site has been observed in individual(s) with thyroid dyshormonogenesis (PMID: 19837936). In at least one individual the data is consistent with being in trans (on the opposite chromosome) from a pathogenic variant. Studies have shown that disruption of this splice site results in skipping of exon 3 and introduces a premature termination codon (PMID: 19837936). The resulting mRNA is expected to undergo nonsense-mediated decay. For these reasons, this variant has been classified as Pathogenic.

Literature cited by the submitters: PubMed 19837936 (cited by Labcorp Genetics (formerly Invitae), Labcorp).

NM_003235.5(TG):c.274+1G>A

Gene: TG (thyroglobulin; plus strand). Cytogenetic location: 8q24.22.
Variant type: single nucleotide variant.
Coding change: c.274+1G>A on transcript NM_003235.5 (MANE Select); the canonical splice donor site of the intron after coding-DNA position 274, G replaced by A.
Molecular consequence: splice donor variant.
Genome position (GRCh38, 1-based): chr8:132,869,827, G>A. VCF-style: chr8-132869827-G-A. GRCh37 (hg19) VCF-style: chr8-133882072-G-A.
Identifiers: ClinVar variation 2976894 (VCV002976894.5), dbSNP rs763447736, ClinGen allele CA4882843.
Genomic context (GRCh38, chr8:132,869,827, plus strand): 5'-GTGTGGGTGCCAACGGCAGTGAAGTGCTGGGCAGCAGGCAGCCAGGACGGCCTGTGGCTT[G>A]TAAGTGGGAGTGGGGGACGTCCCTTGGAGGGACCCTGCTAGGACAACTCACTTCCAGGAA-3'